The following is an entry in ClinVar:

ClinVar aggregate classification (germline): Pathogenic/Likely pathogenic. Review status: criteria provided, multiple submitters, no conflicts (2 of 4 stars). 3 submissions from 3 submitters: Pathogenic (1); Likely pathogenic (2). Last evaluated 2019-12-17.

Conditions:
RYR1-related disorder. Also called: RYR1-related disorders; RYR1-related condition. Identifiers: MedGen CN239331.

Submissions (3):

Revvity Omics, Revvity
Classification: Likely pathogenic. Last evaluated: 2019-12-17. Review status: criteria provided, single submitter. Criteria: ACMG Guidelines, 2015. Collection method: clinical testing. Allele origin: germline.

Labcorp Genetics (formerly Invitae), Labcorp
Classification: Likely pathogenic for RYR1-related disorder. Last evaluated: 2018-12-24. Review status: criteria provided, single submitter. Criteria: Invitae Variant Classification Sherloc (09022015). Collection method: clinical testing. Allele origin: germline.
Comment: Algorithms developed to predict the effect of missense changes on protein structure and function are either unavailable or do not agree on the potential impact of this missense change (SIFT: "Deleterious"; PolyPhen-2: "Not Available"; Align-GVGD: "Class C0"). In summary, the currently available evidence indicates that the variant is pathogenic, but additional data are needed to prove that conclusively. Therefore, this variant has been classified as Likely Pathogenic. This missense change is located in a region of the RYR1 protein where a significant number of previously reported RYR1 missense mutations are found (PMID: 16084090). These observations suggest that a previously unreported missense substitution within this region may affect protein function, but experiments have not been done to test this possibility. This variant has been observed in individuals affected with central core disease and to be de novo in one affected individual (PMID: 23183335, 26799446). ClinVar contains an entry for this variant (Variation ID: 590442). This variant is not present in population databases (ExAC no frequency). This sequence change replaces methionine with arginine at codon 4640 of the RYR1 protein (p.Met4640Arg). The methionine residue is highly conserved and there is a moderate physicochemical difference between methionine and arginine.

PreventionGenetics, part of Exact Sciences
Classification: Pathogenic. Last evaluated: 2018-04-18. Review status: criteria provided, single submitter. Criteria: ACMG Guidelines, 2015. Collection method: clinical testing. Allele origin: germline.

Literature cited by the submitters: PubMed 16084090 (cited by Labcorp Genetics (formerly Invitae), Labcorp); PubMed 23183335 (cited by Labcorp Genetics (formerly Invitae), Labcorp); PubMed 26799446 (cited by Labcorp Genetics (formerly Invitae), Labcorp).

NM_000540.3(RYR1):c.13919T>G (p.Met4640Arg)

Gene: RYR1 (ryanodine receptor 1; plus strand). Cytogenetic location: 19q13.2.
Variant type: single nucleotide variant.
Coding change: c.13919T>G on transcript NM_000540.3 (MANE Select); coding-DNA position 13919, T replaced by G.
Protein change: p.Met4640Arg; replaces methionine 4640 with arginine.
Molecular consequence: missense variant.
Genome position (GRCh38, 1-based): chr19:38,572,191, T>G. VCF-style: chr19-38572191-T-G. GRCh37 (hg19) VCF-style: chr19-39062831-T-G.
Other names: c.13904T>G, p.Met4635Arg (NM_001042723.2); short protein forms M4640R, M4635R.
Identifiers: ClinVar variation 590442 (VCV000590442.14), dbSNP rs1568594068, ClinGen allele CA405681080.